The following is an entry in ClinVar:

NM_001099922.3(ALG13):c.3301G>T (p.Val1101Phe)

Gene: ALG13 (ALG13 UDP-N-acetylglucosaminyltransferase subunit; plus strand). Cytogenetic location: Xq23.
Variant type: single nucleotide variant.
Coding change: c.3301G>T on transcript NM_001099922.3 (MANE Select); coding-DNA position 3301, G replaced by T.
Protein change: p.Val1101Phe; replaces valine 1101 with phenylalanine.
Molecular consequence: missense variant. On other transcripts: non-coding transcript variant (1).
Genome position (GRCh38, 1-based): chrX:111,759,886, G>T. VCF-style: chrX-111759886-G-T. GRCh37 (hg19) VCF-style: chrX-111003114-G-T.
Other names: c.2752G>T, p.Val918Phe (NM_001257230.2, NM_001257234.2, NM_001257237.2); c.3067G>T, p.Val1023Phe (NM_001257231.2); c.3064G>T, p.Val1022Phe (NM_001324292.2); c.2578G>T, p.Val860Phe (NM_001324293.1); short protein forms V860F, V918F, V1022F, V1023F, V1101F.
Identifiers: ClinVar variation 949805 (VCV000949805.10), dbSNP rs1370248370, ClinGen allele CA414293561.

ClinVar aggregate classification (germline): Uncertain significance (1 of 4 stars; one submission).

Conditions:
Developmental and epileptic encephalopathy, 36 (DEE36). Also called: ALG13-CDG; Epileptic encephalopathy, early infantile, 36; Congenital disorder of glycosylation, type Is. Identifiers: Orphanet 324422, MedGen C4317295, MONDO:0010472, OMIM 300884.

Submission:

Labcorp Genetics (formerly Invitae), Labcorp
Classification: Uncertain significance for Developmental and epileptic encephalopathy, 36. Last evaluated: 2019-05-04. Review status: criteria provided, single submitter. Criteria: Invitae Variant Classification Sherloc (09022015). Collection method: clinical testing. Allele origin: germline.
Comment: In summary, the available evidence is currently insufficient to determine the role of this variant in disease. Therefore, it has been classified as a Variant of Uncertain Significance. Algorithms developed to predict the effect of missense changes on protein structure and function are either unavailable or do not agree on the potential impact of this missense change (SIFT: "Tolerated"; PolyPhen-2: "Possibly Damaging"; Align-GVGD: "Class C0"). This variant has not been reported in the literature in individuals with ALG13-related conditions. This variant is not present in population databases (ExAC no frequency). This sequence change replaces valine with phenylalanine at codon 1101 of the ALG13 protein (p.Val1101Phe). The valine residue is moderately conserved and there is a small physicochemical difference between valine and phenylalanine.